The following is an entry in ClinVar:

ClinVar aggregate classification (germline): Uncertain significance (1 of 4 stars; one submission).

Submission:

Women's Health and Genetics/Laboratory Corporation of America, LabCorp
Classification: Uncertain significance. Last evaluated: 2024-08-26. Review status: criteria provided, single submitter. Criteria: LabCorp Variant Classification Summary - May 2015. Collection method: clinical testing. Allele origin: germline.
Comment: Variant summary: CUL7 c.2725G>A (p.Gly909Arg) results in a non-conservative amino acid change located in the APC10/DOC domain (IPR004939) of the encoded protein sequence. Four of five in-silico tools predict a damaging effect of the variant on protein function. The variant was absent in 251406 control chromosomes. The available data on variant occurrences in the general population are insufficient to allow any conclusion about variant significance. c.2725G>A has been reported in the literature in at least one compound heterozygous individual affected with Three M Syndrome (e.g. Huber_2005). These data do not currently allow any conclusion about variant significance. To our knowledge, no experimental evidence demonstrating an impact on protein function has been reported. The following publication has been ascertained in the context of this evaluation (PMID: 16142236). No submitters have cited clinical-significance assessments for this variant to ClinVar. Based on the evidence outlined above, the variant was classified as uncertain significance.

Literature cited by the submitters: PubMed 16142236.

NM_014780.5(CUL7):c.2725G>A (p.Gly909Arg)

Gene: CUL7 (cullin 7; minus strand). Cytogenetic location: 6p21.1.
Variant type: single nucleotide variant.
Coding change: c.2725G>A on transcript NM_014780.5 (MANE Select); coding-DNA position 2725, G replaced by A.
Protein change: p.Gly909Arg; replaces glycine 909 with arginine.
Molecular consequence: missense variant.
Genome position (GRCh38, 1-based): chr6:43,046,027, C>T on the plus strand (G>A on the coding strand, the complement: CUL7 is on the minus strand). VCF-style: chr6-43046027-C-T. GRCh37 (hg19) VCF-style: chr6-43013765-C-T.
Other names: c.2821G>A, p.Gly941Arg (NM_001168370.2, NM_001374872.1); c.2725G>A, p.Gly909Arg (NM_001374873.1, NM_001374874.1); short protein forms G909R, G941R.
Identifiers: ClinVar variation 3366590 (VCV003366590.1).
Genomic context (GRCh38, chr6:43,046,027, plus strand): 5'-AATGGCCCTGGGGTCCTACCGAGTTGAGTTCCGTGTGAAGAGAGCTAGTGCTATCACCCC[C>T]GCACACCACCACTCGGGCCGGCATGTAACTCGAGTCCTCACTAGCCACAAGCAGAGTCAG-3'
Protein context (NP_055595.2, residues 899-919): SYMPARVVVC[Gly909Arg]GDSTSSLHTE